The following is an entry in ClinVar:

NM_000088.4(COL1A1):c.3798C>G (p.His1266Gln)

Gene: COL1A1 (collagen type I alpha 1 chain; minus strand). Cytogenetic location: 17q21.33.
Variant type: single nucleotide variant.
Coding change: c.3798C>G on transcript NM_000088.4 (MANE Select); coding-DNA position 3798, C replaced by G.
Protein change: p.His1266Gln; replaces histidine 1266 with glutamine.
Molecular consequence: missense variant.
Genome position (GRCh38, 1-based): chr17:50,186,656, G>C on the plus strand (C>G on the coding strand, the complement: COL1A1 is on the minus strand). VCF-style: chr17-50186656-G-C. GRCh37 (hg19) VCF-style: chr17-48264017-G-C.
Other names: short protein forms H1266Q.
Identifiers: ClinVar variation 2702182 (VCV002702182.3), dbSNP rs1567752621, ClinGen allele CA400196058.
Genomic context (GRCh38, chr17:50,186,656, plus strand): 5'-ATGGCAGGAGTAGGAGGGAGGGAGAGGCTAGGGCAGGCCCTCACCACTCTTCCAGTCAGA[G>C]TGGCACATCTTGAGGTCACGGCAGGTGCGGGCGGGGTTCTTGCGGCTGCCCTCTGGGCTC-3'
Protein context (NP_000079.2, residues 1256-1276): ARTCRDLKMC[His1266Gln]SDWKSGEYWI

ClinVar aggregate classification (germline): Uncertain significance (1 of 4 stars; one submission).

Conditions:
Osteogenesis imperfecta type I (OI1). Also called: Lobstein's Disease; Lobstein disease; OI, TYPE I; OSTEOGENESIS IMPERFECTA TARDA; OSTEOGENESIS IMPERFECTA WITH BLUE SCLERAE; Osteogenesis imperfecta type 1. Identifiers: Orphanet 216796, Orphanet 666, MedGen C0023931, MONDO:0008146, OMIM 166200. Disease mechanism: loss of function.

Submission:

Labcorp Genetics (formerly Invitae), Labcorp
Classification: Uncertain significance for Osteogenesis imperfecta type I. Last evaluated: 2024-11-10. Review status: criteria provided, single submitter. Criteria: Invitae Variant Classification Sherloc (09022015). Collection method: clinical testing. Allele origin: germline.
Comment: This sequence change replaces histidine, which is basic and polar, with glutamine, which is neutral and polar, at codon 1266 of the COL1A1 protein (p.His1266Gln). This variant is not present in population databases (gnomAD no frequency). This variant has not been reported in the literature in individuals affected with COL1A1-related conditions. ClinVar contains an entry for this variant (Variation ID: 2702182). Invitae Evidence Modeling of protein sequence and biophysical properties (such as structural, functional, and spatial information, amino acid conservation, physicochemical variation, residue mobility, and thermodynamic stability) has been performed for this missense variant. However, the output from this modeling did not meet the statistical confidence thresholds required to predict the impact of this variant on COL1A1 protein function. In summary, the available evidence is currently insufficient to determine the role of this variant in disease. Therefore, it has been classified as a Variant of Uncertain Significance.